The following is an entry in ClinVar:

NM_022437.3(ABCG8):c.1968C>G (p.Val656=)

Gene: ABCG8 (ATP binding cassette subfamily G member 8; plus strand). Cytogenetic location: 2p21.
Variant type: single nucleotide variant.
Coding change: c.1968C>G on transcript NM_022437.3 (MANE Select); coding-DNA position 1968, C replaced by G.
Protein change: p.Val656=; no amino-acid change (valine 656 retained).
Molecular consequence: synonymous variant.
Genome position (GRCh38, 1-based): chr2:43,877,859, C>G. VCF-style: chr2-43877859-C-G. GRCh37 (hg19) VCF-style: chr2-44104998-C-G.
Other names: c.1965C>G, p.Val655= (NM_001357321.2).
Identifiers: ClinVar variation 4980649 (VCV004980649.1).

ClinVar aggregate classification (germline): Likely benign (1 of 4 stars; one submission).

Conditions:
ABCG8-related disorder. Also called: ABCG8-related condition.

gnomAD v4.1: 3 of 1,614,126 alleles (0.00019%); highest among the groups gnomAD compares: Non-Finnish European, 0.000085%; no homozygotes.

Submission:

PreventionGenetics, part of Exact Sciences
Classification: Likely benign for ABCG8-related condition. Last evaluated: 2024-11-04. Review status: criteria provided, single submitter. Criteria: ACMG Guidelines, 2015. Collection method: clinical testing. Allele origin: germline.
Comment: This variant is classified as likely benign based on ACMG/AMP sequence variant interpretation guidelines (Richards et al. 2015 PMID: 25741868, with internal and published modifications).